The following is an entry in ClinVar:

ClinVar aggregate classification (germline): Uncertain significance. Review status: criteria provided, multiple submitters, no conflicts (2 of 4 stars). 2 submissions from 2 submitters: Uncertain significance (2). Last evaluated 2025-10-06.

Conditions:
Hereditary cancer-predisposing syndrome. Also called: Hereditary neoplastic syndrome; Tumor predisposition; Neoplastic Syndromes, Hereditary; Hereditary Cancer Syndrome. Identifiers: Orphanet 140162, MedGen C0027672, MeSH D009386, MONDO:0015356.
DICER1-related tumor predisposition. Also called: DICER1-related pleuropulmonary blastoma cancer predisposition syndrome; DICER1 syndrome. Identifiers: Orphanet 284343, MedGen C3839822, MONDO:0100216.

Allele frequency attached by ClinVar (database versions not stated): TOPMed below 0.00001; gnomAD 0.00001.

Submissions (2):

Ambry Genetics
Classification: Uncertain significance for Hereditary cancer-predisposing syndrome. Last evaluated: 2025-10-06. Review status: criteria provided, single submitter. Criteria: Ambry Variant Classification Scheme 2023. Collection method: clinical testing. Allele origin: germline.
Comment: The p.K191R variant (also known as c.572A>G), located in coding exon 4 of the DICER1 gene, results from an A to G substitution at nucleotide position 572. The lysine at codon 191 is replaced by arginine, an amino acid with highly similar properties. This amino acid position is conserved. In addition, this alteration is predicted to be tolerated by in silico analysis. Since supporting evidence is limited at this time, the clinical significance of this alteration remains unclear.

Labcorp Genetics (formerly Invitae), Labcorp
Classification: Uncertain significance for DICER1-related tumor predisposition. Last evaluated: 2025-08-06. Review status: criteria provided, single submitter. Criteria: Invitae Variant Classification Sherloc (09022015). Collection method: clinical testing. Allele origin: germline.
Comment: This sequence change replaces lysine, which is basic and polar, with arginine, which is basic and polar, at codon 191 of the DICER1 protein (p.Lys191Arg). This variant is not present in population databases (gnomAD no frequency). This variant has not been reported in the literature in individuals affected with DICER1-related conditions. ClinVar contains an entry for this variant (Variation ID: 1479258). Invitae Evidence Modeling of protein sequence and biophysical properties (such as structural, functional, and spatial information, amino acid conservation, physicochemical variation, residue mobility, and thermodynamic stability) indicates that this missense variant is not expected to disrupt DICER1 protein function with a negative predictive value of 95%. In summary, the available evidence is currently insufficient to determine the role of this variant in disease. Therefore, it has been classified as a Variant of Uncertain Significance.

NM_177438.3(DICER1):c.572A>G (p.Lys191Arg)

Gene: DICER1 (dicer 1, ribonuclease III; minus strand). Cytogenetic location: 14q32.13.
Variant type: single nucleotide variant.
Coding change: c.572A>G on transcript NM_177438.3 (MANE Select); coding-DNA position 572, A replaced by G.
Protein change: p.Lys191Arg; replaces lysine 191 with arginine.
Molecular consequence: missense variant.
Genome position (GRCh38, 1-based): chr14:95,130,059, T>C on the plus strand (A>G on the coding strand, the complement: DICER1 is on the minus strand). VCF-style: chr14-95130059-T-C. GRCh37 (hg19) VCF-style: chr14-95596396-T-C.
Other names: c.572A>G (NM_177438.2); c.572A>G, p.Lys191Arg (NM_001195573.1, NM_001271282.3, NM_001291628.2 and 1 more transcripts); short protein forms K191R.
Identifiers: ClinVar variation 1479258 (VCV001479258.11), dbSNP rs1162746497, ClinGen allele CA390888327.